The following is an entry in ClinVar:

ClinVar aggregate classification (germline): Likely benign. Review status: criteria provided, multiple submitters, no conflicts (2 of 4 stars). 3 submissions from 3 submitters: Likely benign (3). Last evaluated 2025-08-09.

Conditions:
Cardiovascular phenotype. Identifiers: MedGen CN230736.
Hypertrophic cardiomyopathy. Also called: HYPERTROPHIC MYOCARDIOPATHY. Identifiers: Orphanet 217569, MedGen C0007194, MeSH D002312, MONDO:0005045, HP:0001639.

Allele frequency attached by ClinVar (database versions not stated): gnomAD exomes below 0.00001; TOPMed 0.00002; gnomAD 0.00003.
gnomAD v4.1: 7 of 1,613,302 alleles (0.00043%); highest among the groups gnomAD compares: African/African-American, 0.008%; no homozygotes.

Submissions (3):

Labcorp Genetics (formerly Invitae), Labcorp
Classification: Likely benign for Hypertrophic cardiomyopathy. Last evaluated: 2025-08-09. Review status: criteria provided, single submitter. Criteria: Invitae Variant Classification Sherloc (09022015). Collection method: clinical testing. Allele origin: germline.

Ambry Genetics
Classification: Likely benign for Cardiovascular phenotype. Last evaluated: 2019-11-11. Review status: criteria provided, single submitter. Criteria: Ambry Variant Classification Scheme 2023. Collection method: clinical testing. Allele origin: germline.

GeneDx
Classification: Likely benign. Last evaluated: 2017-12-05. Review status: criteria provided, single submitter. Criteria: GeneDx Variant Classification (06012015). Collection method: clinical testing. Allele origin: germline. Affected: yes.
Comment: This variant is considered likely benign or benign based on one or more of the following criteria: it is a conservative change, it occurs at a poorly conserved position in the protein, it is predicted to be benign by multiple in silico algorithms, and/or has population frequency not consistent with disease.

NM_020433.5(JPH2):c.327C>A (p.Thr109=)

Gene: JPH2 (junctophilin 2; minus strand). Cytogenetic location: 20q13.12.
Variant type: single nucleotide variant.
Coding change: c.327C>A on transcript NM_020433.5 (MANE Select); coding-DNA position 327, C replaced by A.
Protein change: p.Thr109=; no amino-acid change (threonine 109 retained).
Molecular consequence: synonymous variant.
Genome position (GRCh38, 1-based): chr20:44,186,379, G>T on the plus strand (C>A on the coding strand, the complement: JPH2 is on the minus strand). VCF-style: chr20-44186379-G-T. GRCh37 (hg19) VCF-style: chr20-42815019-G-T.
Other names: c.327C>A, p.Thr109= (NM_175913.4).
Identifiers: ClinVar variation 513973 (VCV000513973.11), dbSNP rs1245114185, ClinGen allele CA510739783.